The following is an entry in ClinVar:

NM_001734.5(C1S):c.1543A>G (p.Lys515Glu)

Gene: C1S (complement C1s; plus strand). Cytogenetic location: 12p13.31.
Variant type: single nucleotide variant.
Coding change: c.1543A>G on transcript NM_001734.5 (MANE Select); coding-DNA position 1543, A replaced by G.
Protein change: p.Lys515Glu; replaces lysine 515 with glutamic acid.
Molecular consequence: missense variant.
Genome position (GRCh38, 1-based): chr12:7,070,127, A>G. VCF-style: chr12-7070127-A-G. GRCh37 (hg19) VCF-style: chr12-7177431-A-G.
Other names: c.1042A>G, p.Lys348Glu (NM_001346850.2); c.1543A>G, p.Lys515Glu (NM_201442.4); short protein forms K348E, K515E.
Identifiers: ClinVar variation 3010216 (VCV003010216.3), dbSNP rs1384532639, ClinGen allele CA383705038.

ClinVar aggregate classification (germline): Uncertain significance (1 of 4 stars; one submission).

Allele frequency attached by ClinVar (database versions not stated): TOPMed below 0.00001; gnomAD exomes 0.00001.
gnomAD v4.1: 6 of 1,614,180 alleles (0.00037%); highest among the groups gnomAD compares: Non-Finnish European, 0.00042%; no homozygotes.

Submission:

Labcorp Genetics (formerly Invitae), Labcorp
Classification: Uncertain significance. Last evaluated: 2023-03-30. Review status: criteria provided, single submitter. Criteria: Invitae Variant Classification Sherloc (09022015). Collection method: clinical testing. Allele origin: germline.
Comment: This variant has not been reported in the literature in individuals affected with C1S-related conditions. This sequence change replaces lysine, which is basic and polar, with glutamic acid, which is acidic and polar, at codon 515 of the C1S protein (p.Lys515Glu). This variant is not present in population databases (gnomAD no frequency). Advanced modeling of protein sequence and biophysical properties (such as structural, functional, and spatial information, amino acid conservation, physicochemical variation, residue mobility, and thermodynamic stability) performed at Invitae indicates that this missense variant is not expected to disrupt C1S protein function. In summary, the available evidence is currently insufficient to determine the role of this variant in disease. Therefore, it has been classified as a Variant of Uncertain Significance.